The following is an entry in ClinVar:

ClinVar aggregate classification (germline): Uncertain significance. Review status: criteria provided, multiple submitters, no conflicts (2 of 4 stars). 2 submissions from 2 submitters: Uncertain significance (2). Last evaluated 2025-06-10.

Conditions:
Ullrich congenital muscular dystrophy 2 (UCMD2). Identifiers: Orphanet 75840, MedGen C4225314, MONDO:0014654, OMIM 616470.
Bethlem myopathy 2 (BTHLM2). Identifiers: Orphanet 536516, Orphanet 610, MedGen C4225313, MONDO:0034022, OMIM 616471.

Submissions (2):

Labcorp Genetics (formerly Invitae), Labcorp
Classification: Uncertain significance for Bethlem myopathy 2; Ullrich congenital muscular dystrophy 2. Last evaluated: 2025-06-10. Review status: criteria provided, single submitter. Criteria: Invitae Variant Classification Sherloc (09022015). Collection method: clinical testing. Allele origin: germline.
Comment: This sequence change replaces tyrosine, which is neutral and polar, with histidine, which is basic and polar, at codon 349 of the COL12A1 protein (p.Tyr349His). This variant is not present in population databases (gnomAD no frequency). This variant has not been reported in the literature in individuals affected with COL12A1-related conditions. ClinVar contains an entry for this variant (Variation ID: 931130). Invitae Evidence Modeling of protein sequence and biophysical properties (such as structural, functional, and spatial information, amino acid conservation, physicochemical variation, residue mobility, and thermodynamic stability) indicates that this missense variant is not expected to disrupt COL12A1 protein function with a negative predictive value of 80%. In summary, the available evidence is currently insufficient to determine the role of this variant in disease. Therefore, it has been classified as a Variant of Uncertain Significance.

Centre for Mendelian Genomics, University Medical Centre Ljubljana
Classification: Uncertain significance for Bethlem myopathy 2. Last evaluated: 2019-08-21. Review status: criteria provided, single submitter. Criteria: ACMG Guidelines, 2015. Collection method: clinical testing. Allele origin: unknown. Affected: yes.
Comment: This variant was classified as: Uncertain significance. The available evidence on this variant's pathogenicity is insufficient or conflicting. The following ACMG criteria were applied in classifying this variant: PM2,PP3.

NM_004370.6(COL12A1):c.1045T>C (p.Tyr349His)

Gene: COL12A1 (collagen type XII alpha 1 chain; minus strand). Cytogenetic location: 6q13.
Variant type: single nucleotide variant.
Coding change: c.1045T>C on transcript NM_004370.6 (MANE Select); coding-DNA position 1045, T replaced by C.
Protein change: p.Tyr349His; replaces tyrosine 349 with histidine.
Molecular consequence: missense variant. On other transcripts: intron variant (1).
Genome position (GRCh38, 1-based): chr6:75,184,097, A>G on the plus strand (T>C on the coding strand, the complement: COL12A1 is on the minus strand). VCF-style: chr6-75184097-A-G. GRCh37 (hg19) VCF-style: chr6-75893813-A-G.
Other names: c.73+18623T>C (NM_080645.3); short protein forms Y349H.
Identifiers: ClinVar variation 931130 (VCV000931130.6), dbSNP rs1769481285, ClinGen allele CA364774097.
Genomic context (GRCh38, chr6:75,184,097, plus strand): 5'-TGAGGATGACTTTGTAGCCAGTCACTGGACTAGGAGATGGATTCCAATTTAGCTTAACAT[A>G]TTTTGAAGAGACTTCCATGGCAATCAAATTTGAAGGAGGCTCAACAACTAAAAAGTTACA-3'
Protein context (NP_004361.3, residues 339-359): NLIAMEVSSK[Tyr349His]VKLNWNPSPS